The following is an entry in ClinVar:

NM_173630.4(RTTN):c.2310-11T>G

Gene: RTTN (rotatin; minus strand). Cytogenetic location: 18q22.2.
Variant type: single nucleotide variant.
Coding change: c.2310-11T>G on transcript NM_173630.4 (MANE Select); 11 bases into the intron before coding-DNA position 2310, T replaced by G.
Molecular consequence: intron variant.
Genome position (GRCh38, 1-based): chr18:70,145,794, A>C on the plus strand (T>G on the coding strand, the complement: RTTN is on the minus strand). VCF-style: chr18-70145794-A-C. GRCh37 (hg19) VCF-style: chr18-67813030-A-C.
Other names: c.-338-11T>G (NM_001318520.2).
Identifiers: ClinVar variation 2830207 (VCV002830207.3), dbSNP rs1287565079, ClinGen allele CA2739276329.

ClinVar aggregate classification (germline): Uncertain significance (1 of 4 stars; one submission).

Submission:

Labcorp Genetics (formerly Invitae), Labcorp
Classification: Uncertain significance. Last evaluated: 2024-11-18. Review status: criteria provided, single submitter. Criteria: Invitae Variant Classification Sherloc (09022015). Collection method: clinical testing. Allele origin: germline.
Comment: This sequence change falls in intron 17 of the RTTN gene. It does not directly change the encoded amino acid sequence of the RTTN protein. This variant is not present in population databases (gnomAD no frequency). This variant has not been reported in the literature in individuals affected with RTTN-related conditions. ClinVar contains an entry for this variant (Variation ID: 2830207). Algorithms developed to predict the effect of sequence changes on RNA splicing suggest that this variant may disrupt the consensus splice site. In summary, the available evidence is currently insufficient to determine the role of this variant in disease. Therefore, it has been classified as a Variant of Uncertain Significance.